The following is an entry in ClinVar:

ClinVar aggregate classification (germline): Uncertain significance (1 of 4 stars; one submission).

Conditions:
Leber congenital amaurosis 7 (LCA7). Identifiers: Orphanet 65, MedGen C3151192, MONDO:0013449, OMIM 613829.
Cone-rod dystrophy 2 (CORD2). Also called: CONE-ROD RETINAL DYSTROPHY; Cone-rod retinal dystrophy 2. Identifiers: Orphanet 1872, MedGen C3489532, MONDO:0007362, OMIM 120970.

Allele frequency attached by ClinVar (database versions not stated): ExAC 0.00001.
gnomAD v4.1: 5 of 1,614,148 alleles (0.00031%); highest among the groups gnomAD compares: South Asian, 0.0055%; no homozygotes.

Submission:

Labcorp Genetics (formerly Invitae), Labcorp
Classification: Uncertain significance for Cone-rod dystrophy 2; Leber congenital amaurosis 7. Last evaluated: 2023-12-11. Review status: criteria provided, single submitter. Criteria: Invitae Variant Classification Sherloc (09022015). Collection method: clinical testing. Allele origin: germline.
Comment: This sequence change replaces phenylalanine, which is neutral and non-polar, with leucine, which is neutral and non-polar, at codon 278 of the CRX protein (p.Phe278Leu). This variant is present in population databases (rs770494420, gnomAD 0.006%). This variant has not been reported in the literature in individuals affected with CRX-related conditions. ClinVar contains an entry for this variant (Variation ID: 2008707). Advanced modeling of protein sequence and biophysical properties (such as structural, functional, and spatial information, amino acid conservation, physicochemical variation, residue mobility, and thermodynamic stability) performed at Invitae indicates that this missense variant is not expected to disrupt CRX protein function with a negative predictive value of 80%. In summary, the available evidence is currently insufficient to determine the role of this variant in disease. Therefore, it has been classified as a Variant of Uncertain Significance.

NM_000554.6(CRX):c.834C>A (p.Phe278Leu)

Gene: CRX (cone-rod homeobox; plus strand). Cytogenetic location: 19q13.33.
Variant type: single nucleotide variant.
Coding change: c.834C>A on transcript NM_000554.6 (MANE Select); coding-DNA position 834, C replaced by A.
Protein change: p.Phe278Leu; replaces phenylalanine 278 with leucine.
Molecular consequence: missense variant.
Genome position (GRCh38, 1-based): chr19:47,839,901, C>A. VCF-style: chr19-47839901-C-A. GRCh37 (hg19) VCF-style: chr19-48343158-C-A.
Other names: short protein forms F278L.
Identifiers: ClinVar variation 2008707 (VCV002008707.4), dbSNP rs770494420, ClinGen allele CA9544582.
Genomic context (GRCh38, chr19:47,839,901, plus strand): 5'-TGGCGCCTACAGCCCCGTGGATAGCTTGGAATTCAAGGACCCCACGGGCACCTGGAAATT[C>A]ACCTACAATCCCATGGACCCTCTGGACTACAAGGATCAGAGTGCCTGGAAGTTTCAGATC-3'
Protein context (NP_000545.1, residues 268-288): EFKDPTGTWK[Phe278Leu]TYNPMDPLDY